The following is an entry in ClinVar:

ClinVar aggregate classification (germline): Benign/Likely benign. Review status: criteria provided, multiple submitters, no conflicts (2 of 4 stars). 4 submissions from 4 submitters: Benign (2); Likely benign (2). Last evaluated 2026-01-27.

Allele frequency attached by ClinVar (database versions not stated): gnomAD exomes 0.00012 and 0.00025; ExAC 0.00026; ESP Exome Variant Server 0.00038; gnomAD 0.00096; TOPMed 0.00096; 1000 Genomes Project 30x 0.00125; 1000 Genomes Project 0.00160.
gnomAD v4.1: 333 of 1,614,150 alleles (0.021%); highest among the groups gnomAD compares: African/African-American, 0.31%; 2 homozygotes.

Submissions (4):

Labcorp Genetics (formerly Invitae), Labcorp
Classification: Benign. Last evaluated: 2026-01-27. Review status: criteria provided, single submitter. Criteria: Invitae Variant Classification Sherloc (09022015). Collection method: clinical testing. Allele origin: germline.

Blueprint Genetics
Classification: Likely benign. Last evaluated: 2024-10-29. Review status: criteria provided, single submitter. Criteria: ACMG Guidelines, 2015. Collection method: clinical testing. Allele origin: germline.

CeGaT Center for Human Genetics Tuebingen
Classification: Likely benign. Last evaluated: 2023-11-01. Review status: criteria provided, single submitter. Criteria: CeGaT Center For Human Genetics Tuebingen Variant Classification Criteria Version 2. Collection method: clinical testing. Allele origin: germline. Affected: yes. Observed: 2 variant alleles.
Comment: ATP1A1: BP4, BP7

Breakthrough Genomics
Classification: Benign. Review status: criteria provided, single submitter. Criteria: ACMG Guidelines, 2015. Collection method: not provided. Allele origin: germline. Inheritance: Autosomal dominant inheritance. Affected: yes.

NM_000701.8(ATP1A1):c.2439C>T (p.Gly813=)

Genes: ATP1A1 (ATPase Na+/K+ transporting subunit alpha 1; plus strand), ATP1A1-AS1 (ATP1A1 antisense RNA 1; minus strand). Cytogenetic location: 1p13.1.
Variant type: single nucleotide variant.
Coding change: c.2439C>T on transcript NM_000701.8 (MANE Select); coding-DNA position 2439, C replaced by T.
Protein change: p.Gly813=; no amino-acid change (glycine 813 retained).
Molecular consequence: synonymous variant. On other transcripts: non-coding transcript variant (1).
Genome position (GRCh38, 1-based): chr1:116,399,075, C>T. VCF-style: chr1-116399075-C-T. GRCh37 (hg19) VCF-style: chr1-116941697-C-T.
Other names: c.2439C>T, p.Gly813= (NM_001160233.2); c.2346C>T, p.Gly782= (NM_001160234.2).
Identifiers: ClinVar variation 1599120 (VCV001599120.34), dbSNP rs111483355, ClinGen allele CA1025537.